The following is an entry in ClinVar:

ClinVar aggregate classification (germline): Likely benign (0 of 4 stars; one submission).

Conditions:
SIM1-related disorder. Also called: SIM1-related condition; SIM1-related disorders.

gnomAD v4.1: 11 of 1,614,136 alleles (0.00068%); highest among the groups gnomAD compares: East Asian, 0.0089%; no homozygotes.

Submission:

PreventionGenetics, part of Exact Sciences
Classification: Likely benign for SIM1-related condition. Last evaluated: 2024-03-15. Review status: no assertion criteria provided. Collection method: clinical testing. Allele origin: germline.
Comment: This variant is classified as likely benign based on ACMG/AMP sequence variant interpretation guidelines (Richards et al. 2015 PMID: 25741868, with internal and published modifications).

NM_005068.3(SIM1):c.1449G>A (p.Gln483=)

Genes: SIM1 (SIM bHLH transcription factor 1; minus strand), SIM1-AS1 (SIM1 antisense RNA 1; plus strand). Cytogenetic location: 6q16.3.
Variant type: single nucleotide variant.
Coding change: c.1449G>A on transcript NM_005068.3 (MANE Select); coding-DNA position 1449, G replaced by A.
Protein change: p.Gln483=; no amino-acid change (glutamine 483 retained).
Molecular consequence: synonymous variant. On other transcripts: non-coding transcript variant (1).
Genome position (GRCh38, 1-based): chr6:100,393,608, C>T on the plus strand (G>A on the coding strand, the complement: SIM1 is on the minus strand). VCF-style: chr6-100393608-C-T. GRCh37 (hg19) VCF-style: chr6-100841484-C-T.
Other names: c.1449G>A, p.Gln483= (NM_001374769.1).
Identifiers: ClinVar variation 3351424 (VCV003351424.1).
Genomic context (GRCh38, chr6:100,393,608, plus strand): 5'-TGGGGAGGCCTTTGTCAGGGGCAAGGCTGCGCGAGAGCCCCACCAGGGCTCCCTCCCGGC[C>T]TGCGGCGTTCCCAGGAAGTACCTGCCTGCCTCACATCGGCCTCCTTCACAGGCCTGGGTA-3'
Protein context (NP_005059.2, residues 473-493): EAGRYFLGTP[Gln483=]AGREPWWGSR